The following is an entry in ClinVar:

NM_024529.5(CDC73):c.70G>A (p.Glu24Lys)

Gene: CDC73 (cell division cycle 73; plus strand). Cytogenetic location: 1q31.2.
Variant type: single nucleotide variant.
Coding change: c.70G>A on transcript NM_024529.5 (MANE Select); coding-DNA position 70, G replaced by A.
Protein change: p.Glu24Lys; replaces glutamic acid 24 with lysine.
Molecular consequence: missense variant.
Genome position (GRCh38, 1-based): chr1:193,122,270, G>A. VCF-style: chr1-193122270-G-A. GRCh37 (hg19) VCF-style: chr1-193091400-G-A.
Other names: short protein forms E24K.
Identifiers: ClinVar variation 1757169 (VCV001757169.2), dbSNP rs2527281270, ClinGen allele CA343972875.
Genomic context (GRCh38, chr1:193,122,270, plus strand): 5'-GTGCTTAGCGTCCTGCGACAGTACAACATCCAGAAGAAGGAGATTGTGGTGAAGGGAGAC[G>A]AAGTGATCTTCGGGGAGTTCTCCTGGCCCAAGAATGTGAAGACCAACTATGTTGTTTGGG-3'
Protein context (NP_078805.3, residues 14-34): QKKEIVVKGD[Glu24Lys]VIFGEFSWPK

ClinVar aggregate classification (germline): Uncertain significance (1 of 4 stars; one submission).

Conditions:
Hereditary cancer-predisposing syndrome. Also called: Neoplastic Syndromes, Hereditary; Tumor predisposition; Hereditary Cancer Syndrome; Hereditary neoplastic syndrome. Identifiers: Orphanet 140162, MedGen C0027672, MeSH D009386, MONDO:0015356.

Submission:

Ambry Genetics
Classification: Uncertain significance for Hereditary cancer-predisposing syndrome. Last evaluated: 2022-03-16. Review status: criteria provided, single submitter. Criteria: Ambry Variant Classification Scheme 2023. Collection method: clinical testing. Allele origin: germline.
Comment: The p.E24K variant (also known as c.70G>A), located in coding exon 1 of the CDC73 gene, results from a G to A substitution at nucleotide position 70. The glutamic acid at codon 24 is replaced by lysine, an amino acid with similar properties. This amino acid position is conserved. In addition, the in silico prediction for this alteration is inconclusive. Since supporting evidence is limited at this time, the clinical significance of this alteration remains unclear.